The following is an entry in ClinVar:

NM_000093.5(COL5A1):c.95C>A (p.Pro32His)

Gene: COL5A1 (collagen type V alpha 1 chain; plus strand). Cytogenetic location: 9q34.3.
Variant type: single nucleotide variant.
Coding change: c.95C>A on transcript NM_000093.5 (MANE Select); coding-DNA position 95, C replaced by A.
Protein change: p.Pro32His; replaces proline 32 with histidine.
Molecular consequence: missense variant.
Genome position (GRCh38, 1-based): chr9:134,642,282, C>A. VCF-style: chr9-134642282-C-A. GRCh37 (hg19) VCF-style: chr9-137534128-C-A.
Other names: c.95C>A, p.Pro32His (NM_001278074.1); short protein forms P32H.
Identifiers: ClinVar variation 1878961 (VCV001878961.6), dbSNP rs1320177911, ClinGen allele CA375444058.

ClinVar aggregate classification (germline): Conflicting classifications of pathogenicity. Review status: criteria provided, conflicting classifications (1 of 4 stars). 3 submissions from 3 submitters: Uncertain significance (2); Benign (1). Last evaluated 2025-06-15.

Conditions:
Familial thoracic aortic aneurysm and aortic dissection (TAAD). Also called: Thoracic aortic aneurysms and dissections. Identifiers: Orphanet 91387, MedGen C4707243, MONDO:0019625.
Ehlers-Danlos syndrome, classic type, 1 (EDSCL1). Also called: Ehlers-Danlos syndrome, type 1; Ehlers-Danlos Syndrome, Classic Type, COL5A1-Related; EDS I; EHLERS-DANLOS SYNDROME, GRAVIS TYPE; EHLERS-DANLOS SYNDROME, SEVERE CLASSIC TYPE. Identifiers: MedGen C0268335, MONDO:0019567, OMIM 130000.

Allele frequency attached by ClinVar (database versions not stated): TOPMed below 0.00001; gnomAD 0.00001; gnomAD exomes 0.00001.
gnomAD v4.1: 8 of 1,151,482 alleles (0.00069%); highest among the groups gnomAD compares: Non-Finnish European, 0.00011%; no homozygotes.

Submissions (3):

Labcorp Genetics (formerly Invitae), Labcorp
Classification: Benign for Ehlers-Danlos syndrome, classic type, 1. Last evaluated: 2025-06-15. Review status: criteria provided, single submitter. Criteria: Invitae Variant Classification Sherloc (09022015). Collection method: clinical testing. Allele origin: germline.

Ambry Genetics
Classification: Uncertain significance for Familial thoracic aortic aneurysm and aortic dissection. Last evaluated: 2023-05-30. Review status: criteria provided, single submitter. Criteria: Ambry Variant Classification Scheme 2023. Collection method: clinical testing. Allele origin: germline.
Comment: The c.95C>A (p.P32H) alteration is located in exon 1 (coding exon 1) of the COL5A1 gene. This alteration results from a C to A substitution at nucleotide position 95, causing the proline (P) at amino acid position 32 to be replaced by a histidine (H). Based on data from gnomAD, the A allele has an overall frequency of 0.003% (1/29460) total alleles studied. The highest observed frequency was 0.35% (1/284) of alleles. This amino acid position is well conserved with limited alignment for this region in available vertebrate species. This alteration is predicted to be tolerated by in silico analysis. Based on insufficient or conflicting evidence, the clinical significance of this alteration remains unclear.

GeneDx
Classification: Uncertain significance. Last evaluated: 2022-07-14. Review status: criteria provided, single submitter. Criteria: GeneDx Variant Classification Process June 2021. Collection method: clinical testing. Allele origin: germline. Affected: yes.
Comment: Has not been previously published as pathogenic or benign to our knowledge; Not observed at significant frequency in large population cohorts (gnomAD); In silico analysis supports that this missense variant does not alter protein structure/function; Not located in the triple helical region, where the majority of pathogenic missense variants occur (Symoens et al., 2012; HGMD); This variant is associated with the following publications: (PMID: 22696272)